The following is an entry in ClinVar:

NM_014363.6(SACS):c.1886C>T (p.Ala629Val)

Gene: SACS (sacsin molecular chaperone; minus strand). Cytogenetic location: 13q12.12.
Variant type: single nucleotide variant.
Coding change: c.1886C>T on transcript NM_014363.6 (MANE Select); coding-DNA position 1886, C replaced by T.
Protein change: p.Ala629Val; replaces alanine 629 with valine.
Molecular consequence: missense variant.
Genome position (GRCh38, 1-based): chr13:23,354,726, G>A on the plus strand (C>T on the coding strand, the complement: SACS is on the minus strand). VCF-style: chr13-23354726-G-A. GRCh37 (hg19) VCF-style: chr13-23928865-G-A.
Other names: p.Ala629Val; c.1445C>T, p.Ala482Val (NM_001278055.2); short protein forms A629V, A482V.
Identifiers: ClinVar variation 458256 (VCV000458256.8), dbSNP rs760505057, ClinGen allele CA6911832.

ClinVar aggregate classification (germline): Conflicting classifications of pathogenicity. Review status: criteria provided, conflicting classifications (1 of 4 stars). 4 submissions from 4 submitters: Uncertain significance (2); Likely benign (1). 1 of the submissions does not count toward it. Last evaluated 2025-07-22.

Conditions:
Spastic paraplegia. Identifiers: MedGen C0037772, HP:0001258.
Charlevoix-Saguenay spastic ataxia (SACS). Also called: SPASTIC ATAXIA 6, AUTOSOMAL RECESSIVE; AUTOSOMAL RECESSIVE SPASTIC ATAXIA OF CHARLEVOIX-SAGUENAY; Spastic ataxia of Charlevoix-Saguenay. Identifiers: Orphanet 98, MedGen C1849140, MONDO:0010041, OMIM 270550.

Allele frequency attached by ClinVar (database versions not stated): ExAC 0.00001; gnomAD exomes 0.00001 and 0.00003; gnomAD 0.00003; TOPMed 0.00003.

Submissions (4):

Mayo Clinic Laboratories, Mayo Clinic
Classification: Uncertain significance. Last evaluated: 2025-07-22. Review status: criteria provided, single submitter. Criteria: ACMG Guidelines, 2015. Collection method: clinical testing. Allele origin: germline. Observed: 1 variant allele.
Comment: BP4_moderate, PM2_supporting

Labcorp Genetics (formerly Invitae), Labcorp
Classification: Likely benign for Spastic paraplegia. Last evaluated: 2024-08-02. Review status: criteria provided, single submitter. Criteria: Invitae Variant Classification Sherloc (09022015). Collection method: clinical testing. Allele origin: germline.

Blueprint Genetics
Classification: Uncertain significance. Last evaluated: 2023-12-29. Review status: criteria provided, single submitter. Criteria: ACMG Guidelines, 2015. Collection method: clinical testing. Allele origin: germline.

Natera, Inc.
Classification: Uncertain significance for Charlevoix-Saguenay type spastic ataxia. Last evaluated: 2020-12-17. Review status: no assertion criteria provided. Collection method: clinical testing. Allele origin: germline. Not counted in ClinVar's aggregate classification.